The following is an entry in ClinVar:

NM_000051.4(ATM):c.1271C>T (p.Pro424Leu)

Gene: ATM (ATM serine/threonine kinase; plus strand). Cytogenetic location: 11q22.3.
Variant type: single nucleotide variant.
Coding change: c.1271C>T on transcript NM_000051.4 (MANE Select); coding-DNA position 1271, C replaced by T.
Protein change: p.Pro424Leu; replaces proline 424 with leucine.
Molecular consequence: missense variant.
Genome position (GRCh38, 1-based): chr11:108,250,736, C>T. VCF-style: chr11-108250736-C-T. GRCh37 (hg19) VCF-style: chr11-108121463-C-T.
Other names: c.1271C>T, p.Pro424Leu (NM_001351834.2); short protein forms P424L.
Identifiers: ClinVar variation 219386 (VCV000219386.15), dbSNP rs147472613, ClinGen allele CA350530.

ClinVar aggregate classification (germline): Uncertain significance. Review status: criteria provided, multiple submitters, no conflicts (2 of 4 stars). 3 submissions from 3 submitters: Uncertain significance (2). 1 of the submissions does not count toward it. Last evaluated 2024-06-20.

Conditions:
Hereditary cancer-predisposing syndrome. Also called: Tumor predisposition; Hereditary Cancer Syndrome; Neoplastic Syndromes, Hereditary; Hereditary neoplastic syndrome. Identifiers: Orphanet 140162, MedGen C0027672, MeSH D009386, MONDO:0015356.
Ataxia-telangiectasia syndrome (AT). Also called: Cerebello-oculocutaneous telangiectasia; Immunodeficiency with ataxia telangiectasia; Ataxia telangiectasia (A-T); LOUIS-BAR SYNDROME; ATAXIA-TELANGIECTASIA, COMPLEMENTATION GROUP A; ATAXIA-TELANGIECTASIA, FRESNO VARIANT. Identifiers: Orphanet 100, MedGen C0004135, MONDO:0008840, OMIM 208900.

gnomAD v4.1: 1 of 1,608,262 alleles (0.000062%); highest among the groups gnomAD compares: Non-Finnish European, 0.000085%; no homozygotes.

Submissions (3):

Ambry Genetics
Classification: Uncertain significance for Hereditary cancer-predisposing syndrome. Last evaluated: 2024-06-20. Review status: criteria provided, single submitter. Criteria: Ambry Variant Classification Scheme 2023. Collection method: clinical testing. Allele origin: germline.
Comment: The p.P424L variant (also known as c.1271C>T), located in coding exon 9 of the ATM gene, results from a C to T substitution at nucleotide position 1271. The proline at codon 424 is replaced by leucine, an amino acid with similar properties. This amino acid position is highly conserved in available vertebrate species. In addition, the in silico prediction for this alteration is inconclusive. Based on the available evidence, the clinical significance of this variant remains unclear.

Labcorp Genetics (formerly Invitae), Labcorp
Classification: Uncertain significance for Ataxia-telangiectasia syndrome. Last evaluated: 2022-12-25. Review status: criteria provided, single submitter. Criteria: Invitae Variant Classification Sherloc (09022015). Collection method: clinical testing. Allele origin: germline.
Comment: In summary, the available evidence is currently insufficient to determine the role of this variant in disease. Therefore, it has been classified as a Variant of Uncertain Significance. Algorithms developed to predict the effect of missense changes on protein structure and function (SIFT, PolyPhen-2, Align-GVGD) all suggest that this variant is likely to be disruptive. ClinVar contains an entry for this variant (Variation ID: 219386). This variant has not been reported in the literature in individuals affected with ATM-related conditions. This variant is not present in population databases (gnomAD no frequency). This sequence change replaces proline, which is neutral and non-polar, with leucine, which is neutral and non-polar, at codon 424 of the ATM protein (p.Pro424Leu).

Natera, Inc.
Classification: Uncertain significance for Ataxia-telangiectasia. Last evaluated: 2021-06-24. Review status: no assertion criteria provided. Collection method: clinical testing. Allele origin: germline. Not counted in ClinVar's aggregate classification.